The following is an entry in ClinVar:

NM_001807.6(CEL):c.878C>T (p.Pro293Leu)

Gene: CEL (carboxyl ester lipase; plus strand). Cytogenetic location: 9q34.13.
Variant type: single nucleotide variant.
Coding change: c.878C>T on transcript NM_001807.6 (MANE Select); coding-DNA position 878, C replaced by T.
Protein change: p.Pro293Leu; replaces proline 293 with leucine.
Molecular consequence: missense variant.
Genome position (GRCh38, 1-based): chr9:133,067,188, C>T. VCF-style: chr9-133067188-C-T. GRCh37 (hg19) VCF-style: chr9-135942575-C-T.
Other names: c.878C>T (NM_001807.5); short protein forms P293L.
Identifiers: ClinVar variation 1308042 (VCV001308042.6), dbSNP rs201066180, ClinGen allele CA5303187.

ClinVar aggregate classification (germline): Uncertain significance. Review status: criteria provided, multiple submitters, no conflicts (2 of 4 stars). 3 submissions from 3 submitters: Uncertain significance (2). 1 of the submissions does not count toward it. Last evaluated 2024-11-14.

Conditions:
Maturity-onset diabetes of the young type 8 (MODY8). Also called: DIABETES-PANCREATIC EXOCRINE DYSFUNCTION SYNDROME; DIABETES AND PANCREATIC EXOCRINE DYSFUNCTION. Identifiers: Orphanet 552, MedGen C1853297, MONDO:0012348, OMIM 609812.

Allele frequency attached by ClinVar (database versions not stated): ExAC 0.00013; 1000 Genomes Project 30x 0.00016; TOPMed 0.00019; 1000 Genomes Project 0.00020; gnomAD 0.00020; gnomAD exomes 0.00032; ESP Exome Variant Server 0.00040.

Submissions (3):

Genomics Laboratory, Virgen de la Arrixaca University Clinical Hospital
Classification: Uncertain significance for Maturity-onset diabetes of the young type 8. Last evaluated: 2024-11-14. Review status: criteria provided, single submitter. Criteria: ACMG Guidelines, 2015. Collection method: clinical testing. Allele origin: de novo. Affected: yes. Observed: 1 variant allele.

GeneDx
Classification: Uncertain significance. Last evaluated: 2019-08-26. Review status: criteria provided, single submitter. Criteria: GeneDx Variant Classification Process June 2021. Collection method: clinical testing. Allele origin: germline. Affected: yes.
Comment: In silico analysis, which includes protein predictors and evolutionary conservation, supports that this variant does not alter protein structure/function; Has not been previously published as pathogenic or benign to our knowledge

Genetic Services Laboratory, University of Chicago
Classification: Uncertain significance. Last evaluated: 2022-09-06. Review status: no assertion criteria provided. Collection method: clinical testing. Allele origin: germline. Affected: no. Not counted in ClinVar's aggregate classification.
Comment: DNA sequence analysis of the CEL gene demonstrated a sequence change, c.878C>T, in exon 7 that results in an amino acid change, p.Pro293Leu. This sequence change does not appear to have been previously described in individuals with CEL-related disorders. This sequence change has been described in the gnomAD database with a frequency of 0.024% in the European subpopulation (dbSNP rs201066180). The p.Pro293Leu change affects a poorly conserved amino acid residue located in a domain of the CEL protein that is known to be functional. The p.Pro293Leu substitution appears to be benign using several in-silico pathogenicity prediction tools (SIFT, PolyPhen2, Align GVGD, REVEL). Due to insufficient evidences and the lack of functional studies, the clinical significance of the p.Pro293Leu change remains unknown at this time. Heterozygous pathogenic variants in the CEL gene are associated with maturity –onset diabetes of the young, type 8 (OMIM# 609812).